The following is an entry in ClinVar:

NM_001349253.2(SCN11A):c.4238G>A (p.Cys1413Tyr)

Gene: SCN11A (sodium voltage-gated channel alpha subunit 11; minus strand). Cytogenetic location: 3p22.2.
Variant type: single nucleotide variant.
Coding change: c.4238G>A on transcript NM_001349253.2 (MANE Select); coding-DNA position 4238, G replaced by A.
Protein change: p.Cys1413Tyr; replaces cysteine 1413 with tyrosine.
Molecular consequence: missense variant.
Genome position (GRCh38, 1-based): chr3:38,850,570, C>T on the plus strand (G>A on the coding strand, the complement: SCN11A is on the minus strand). VCF-style: chr3-38850570-C-T. GRCh37 (hg19) VCF-style: chr3-38892061-C-T.
Other names: c.4238G>A, p.Cys1413Tyr (NM_014139.3); short protein forms C1413Y.
Identifiers: ClinVar variation 1738954 (VCV001738954.2), dbSNP rs2064759214, ClinGen allele CA352165423.

ClinVar aggregate classification (germline): Uncertain significance (1 of 4 stars; one submission).

Conditions:
Inborn genetic diseases. Identifiers: MedGen C0950123, MeSH D030342.

Allele frequency attached by ClinVar (database versions not stated): TOPMed below 0.00001; gnomAD 0.00001.
gnomAD v4.1: 1 of 1,613,686 alleles (0.000062%); highest among the groups gnomAD compares: Non-Finnish European, 0.000085%; no homozygotes.

Submission:

Ambry Genetics
Classification: Uncertain significance for Inborn genetic diseases. Last evaluated: 2022-01-30. Review status: criteria provided, single submitter. Criteria: Ambry Variant Classification Scheme 2023. Collection method: clinical testing. Allele origin: germline.
Comment: The p.C1413Y variant (also known as c.4238G>A), located in coding exon 25 of the SCN11A gene, results from a G to A substitution at nucleotide position 4238. The cysteine at codon 1413 is replaced by tyrosine, an amino acid with highly dissimilar properties. This amino acid position is conserved. In addition, this alteration is predicted to be deleterious by in silico analysis. Since supporting evidence is limited at this time, the clinical significance of this alteration remains unclear.